The following is an entry in ClinVar:

ClinVar aggregate classification (germline): Conflicting classifications of pathogenicity. Review status: criteria provided, conflicting classifications (1 of 4 stars). 6 submissions from 5 submitters: Uncertain significance (1); Benign (3); Likely benign (2). Last evaluated 2025-12-20.

Conditions:
Tangier disease (TGD). Also called: HIGH DENSITY LIPOPROTEIN DEFICIENCY, TANGIER TYPE; HIGH DENSITY LIPOPROTEIN DEFICIENCY, TYPE 1; Cholesterol thesaurismosis. Identifiers: Orphanet 31150, MedGen C0039292, MONDO:0008783, OMIM 205400.
Cardiovascular phenotype. Identifiers: MedGen CN230736.
Hypoalphalipoproteinemia, primary, 1. Identifiers: Orphanet 425, MedGen C5231558, MONDO:0011393, OMIM 604091.

Allele frequency attached by ClinVar (database versions not stated): ExAC 0.00031; gnomAD 0.00045 and 0.00046; ESP Exome Variant Server 0.00046; TOPMed 0.00053.
gnomAD v4.1: 500 of 1,613,084 alleles (0.031%); highest among the groups gnomAD compares: Admixed American, 0.093%; 3 homozygotes.

Submissions (6):

Labcorp Genetics (formerly Invitae), Labcorp
Classification: Benign. Last evaluated: 2025-12-20. Review status: criteria provided, single submitter. Criteria: Invitae Variant Classification Sherloc (09022015). Collection method: clinical testing. Allele origin: germline.

Blueprint Genetics
Classification: Likely benign. Last evaluated: 2024-11-18. Review status: criteria provided, single submitter. Criteria: ACMG Guidelines, 2015. Collection method: clinical testing. Allele origin: germline.

Ambry Genetics
Classification: Likely benign for Cardiovascular phenotype. Last evaluated: 2022-03-04. Review status: criteria provided, single submitter. Criteria: Ambry Variant Classification Scheme 2023. Collection method: clinical testing. Allele origin: germline.

Women's Health and Genetics/Laboratory Corporation of America, LabCorp
Classification: Benign. Last evaluated: 2019-07-19. Review status: criteria provided, single submitter. Criteria: LabCorp Variant Classification Summary - May 2015. Collection method: clinical testing. Allele origin: germline.

Illumina Laboratory Services, Illumina
Classification: Uncertain significance for Tangier disease. Last evaluated: 2018-01-12. Review status: criteria provided, single submitter. Criteria: ICSL Variant Classification Criteria 13 December 2019. Collection method: clinical testing. Allele origin: germline.

Illumina Laboratory Services, Illumina
Classification: Benign for Hypoalphalipoproteinemia, primary, 1. Last evaluated: 2018-01-12. Review status: criteria provided, single submitter. Criteria: ICSL Variant Classification Criteria 13 December 2019. Collection method: clinical testing. Allele origin: germline.
Comment: This variant was observed in the ICSL laboratory as part of a predisposition screen in an ostensibly healthy population. It had not been previously curated by ICSL or reported in the Human Gene Mutation Database (HGMD: prior to June 1st, 2018), and was therefore a candidate for classification through an automated scoring system. Utilizing variant allele frequency, disease prevalence and penetrance estimates, and inheritance mode, an automated score was calculated to assess if this variant is too frequent to cause the disease. Based on the score and internal cut-off values, a variant classified as benign is not then subjected to further curation. The score for this variant resulted in a classification of benign for this disease.

NM_005502.4(ABCA1):c.3099G>C (p.Leu1033=)

Gene: ABCA1 (ATP binding cassette subfamily A member 1; minus strand). Cytogenetic location: 9q31.1.
Variant type: single nucleotide variant.
Coding change: c.3099G>C on transcript NM_005502.4 (MANE Select); coding-DNA position 3099, G replaced by C.
Protein change: p.Leu1033=; no amino-acid change (leucine 1033 retained).
Molecular consequence: synonymous variant.
Genome position (GRCh38, 1-based): chr9:104,819,931, C>G on the plus strand (G>C on the coding strand, the complement: ABCA1 is on the minus strand). VCF-style: chr9-104819931-C-G. GRCh37 (hg19) VCF-style: chr9-107582212-C-G.
Identifiers: ClinVar variation 364422 (VCV000364422.16), dbSNP rs144726669, ClinGen allele CA5168557.
Genomic context (GRCh38, chr9:104,819,931, plus strand): 5'-TGTGTGTAGCCGGAGGAGGAGGGGAGAGGGATAGGGAAGGTAGCTCTGGGCCGCACCTGA[C>G]AGCTGGCTTGTTTTGCTTTTCAGCTTGCTTGATGGCAAACCAACATCCAGGGCCATCTGC-3'
Protein context (NP_005493.2, residues 1023-1043): SSKLKSKTSQ[Leu1033=]SGGMQRKLSV